The following is an entry in ClinVar:

ClinVar aggregate classification (germline): Uncertain significance (1 of 4 stars; one submission).

Submission:

Labcorp Genetics (formerly Invitae), Labcorp
Classification: Uncertain significance. Last evaluated: 2022-01-17. Review status: criteria provided, single submitter. Criteria: Invitae Variant Classification Sherloc (09022015). Collection method: clinical testing. Allele origin: germline.
Comment: This variant has not been reported in the literature in individuals affected with ABCA1-related conditions. In summary, the available evidence is currently insufficient to determine the role of this variant in disease. Therefore, it has been classified as a Variant of Uncertain Significance. Advanced modeling of protein sequence and biophysical properties (such as structural, functional, and spatial information, amino acid conservation, physicochemical variation, residue mobility, and thermodynamic stability) performed at Invitae indicates that this missense variant is expected to disrupt ABCA1 protein function. This variant is not present in population databases (gnomAD no frequency). This sequence change replaces methionine, which is neutral and non-polar, with lysine, which is basic and polar, at codon 674 of the ABCA1 protein (p.Met674Lys).

NM_005502.4(ABCA1):c.2021T>A (p.Met674Lys)

Gene: ABCA1 (ATP binding cassette subfamily A member 1; minus strand). Cytogenetic location: 9q31.1.
Variant type: single nucleotide variant.
Coding change: c.2021T>A on transcript NM_005502.4 (MANE Select); coding-DNA position 2021, T replaced by A.
Protein change: p.Met674Lys; replaces methionine 674 with lysine.
Molecular consequence: missense variant.
Genome position (GRCh38, 1-based): chr9:104,829,010, A>T on the plus strand (T>A on the coding strand, the complement: ABCA1 is on the minus strand). VCF-style: chr9-104829010-A-T. GRCh37 (hg19) VCF-style: chr9-107591291-A-T.
Other names: short protein forms M674K.
Identifiers: ClinVar variation 1947566 (VCV001947566.5), dbSNP rs2538170196, ClinGen allele CA374322213.